The following is an entry in ClinVar:

NM_025074.7(FRAS1):c.1707C>A (p.Gly569=)

Gene: FRAS1 (Fraser extracellular matrix complex subunit 1; plus strand). Cytogenetic location: 4q21.21.
Variant type: single nucleotide variant.
Coding change: c.1707C>A on transcript NM_025074.7 (MANE Select); coding-DNA position 1707, C replaced by A.
Protein change: p.Gly569=; no amino-acid change (glycine 569 retained).
Molecular consequence: synonymous variant.
Genome position (GRCh38, 1-based): chr4:78,315,622, C>A. VCF-style: chr4-78315622-C-A. GRCh37 (hg19) VCF-style: chr4-79236776-C-A.
Other names: c.1707C>A (NM_025074.6); c.1707C>A, p.Gly569= (NM_001166133.2).
Identifiers: ClinVar variation 2894725 (VCV002894725.4), dbSNP rs370764502, ClinGen allele CA2976411.
Genomic context (GRCh38, chr4:78,315,622, plus strand): 5'-CTTTCTCTGATGGGTTTTTTGCCTCCCCTTAGCTTGTGACCAATCCTGTGACAGTTGTGG[C>A]CCCAGTAGCCCCAGGTGTCTTACCTGTACTGAGAAGACAGTGCTGCATGATGGGAAATGC-3'
Protein context (NP_079350.5, residues 559-579): SACDQSCDSC[Gly569=]PSSPRCLTCT

ClinVar aggregate classification (germline): Likely benign. Review status: criteria provided, single submitter (1 of 4 stars). 2 submissions from 2 submitters: Likely benign (1). 1 of the submissions does not count toward it. Last evaluated 2025-12-30.

Conditions:
FRAS1-related disorder. Also called: FRAS1-related condition.

Allele frequency attached by ClinVar (database versions not stated): gnomAD 0.00006; ExAC 0.00003; gnomAD exomes 0.00007; ESP Exome Variant Server 0.00016.
gnomAD v4.1: 121 of 1,612,738 alleles (0.0075%); highest among the groups gnomAD compares: Non-Finnish European, 0.0092%; no homozygotes.

Submissions (2):

Labcorp Genetics (formerly Invitae), Labcorp
Classification: Likely benign. Last evaluated: 2025-12-30. Review status: criteria provided, single submitter. Criteria: Invitae Variant Classification Sherloc (09022015). Collection method: clinical testing. Allele origin: germline.

PreventionGenetics, part of Exact Sciences
Classification: Likely benign for FRAS1-related condition. Last evaluated: 2024-08-07. Review status: no assertion criteria provided. Collection method: clinical testing. Allele origin: germline. Not counted in ClinVar's aggregate classification.
Comment: This variant is classified as likely benign based on ACMG/AMP sequence variant interpretation guidelines (Richards et al. 2015 PMID: 25741868, with internal and published modifications).